The following is an entry in ClinVar:

ClinVar aggregate classification (germline): Uncertain significance (0 of 4 stars; one submission).

Conditions:
DIAPH3-related disorder. Also called: DIAPH3-related condition.

Submission:

PreventionGenetics, part of Exact Sciences
Classification: Uncertain significance for DIAPH3-related condition. Last evaluated: 2024-08-05. Review status: no assertion criteria provided. Collection method: clinical testing. Allele origin: germline.
Comment: The DIAPH3 c.2416A>G variant is predicted to result in the amino acid substitution p.Lys806Glu. To our knowledge, this variant has not been reported in the literature or in a large population database, indicating this variant is rare. At this time, the clinical significance of this variant is uncertain due to the absence of conclusive functional and genetic evidence.

NM_001042517.2(DIAPH3):c.2416A>G (p.Lys806Glu)

Gene: DIAPH3 (diaphanous related formin 3; minus strand). Cytogenetic location: 13q21.2.
Variant type: single nucleotide variant.
Coding change: c.2416A>G on transcript NM_001042517.2 (MANE Select); coding-DNA position 2416, A replaced by G.
Protein change: p.Lys806Glu; replaces lysine 806 with glutamic acid.
Molecular consequence: missense variant.
Genome position (GRCh38, 1-based): chr13:59,879,420, T>C on the plus strand (A>G on the coding strand, the complement: DIAPH3 is on the minus strand). VCF-style: chr13-59879420-T-C. GRCh37 (hg19) VCF-style: chr13-60453554-T-C.
Other names: c.2383A>G, p.Lys795Glu (NM_001258366.2); c.2278A>G, p.Lys760Glu (NM_001258367.2); c.2206A>G, p.Lys736Glu (NM_001258368.2); c.2416A>G, p.Lys806Glu (NM_001258369.2); c.1627A>G, p.Lys543Glu (NM_001258370.2, NM_030932.4); short protein forms K543E, K736E, K760E, K795E, K806E.
Identifiers: ClinVar variation 3346509 (VCV003346509.1).
Genomic context (GRCh38, chr13:59,879,420, plus strand): 5'-CAGTACTGACAGCCATGATGTCAGGTTTGATGTTGTTCACCTGCTCTTCAAACTGAAGCT[T>C]AAAGAGAATAGCACTGAGCCGTGGCCGTAGTCTCTTCACATTGCTCATCTGATTGAAAAG-3'
Protein context (NP_001035982.1, residues 796-816): LRPRLSAILF[Lys806Glu]LQFEEQVNNI